The following is an entry in ClinVar:

NM_002838.5(PTPRC):c.3076T>C (p.Tyr1026His)

Gene: PTPRC (protein tyrosine phosphatase receptor type C; plus strand). Cytogenetic location: 1q32.1.
Variant type: single nucleotide variant.
Coding change: c.3076T>C on transcript NM_002838.5 (MANE Select); coding-DNA position 3076, T replaced by C.
Protein change: p.Tyr1026His; replaces tyrosine 1026 with histidine.
Molecular consequence: missense variant.
Genome position (GRCh38, 1-based): chr1:198,750,495, T>C. VCF-style: chr1-198750495-T-C. GRCh37 (hg19) VCF-style: chr1-198719624-T-C.
Other names: c.2593T>C, p.Tyr865His (NM_080921.4); short protein forms Y1026H, Y865H.
Identifiers: ClinVar variation 1425781 (VCV001425781.5), dbSNP rs759308256, ClinGen allele CA1315352.
Genomic context (GRCh38, chr1:198,750,495, plus strand): 5'-AATCTACTGAGCTCTCTTCTGTAGTAACGAAGTCCCACCCTTTTTTTGTCTAAAAAGAGC[T>C]ACTGGAAACCTGAAGTGATGATTGCTGCTCAGGGACCACTGAAGGAGACCATTGGTGACT-3'
Protein context (NP_002829.3, residues 1016-1036): KYINASFIMS[Tyr1026His]WKPEVMIAAQ

ClinVar aggregate classification (germline): Uncertain significance (1 of 4 stars; one submission).

Conditions:
Immunodeficiency 104. Also called: IMMUNODEFICIENCY 104, SEVERE COMBINED; SCID, AUTOSOMAL RECESSIVE, T CELL-NEGATIVE, B CELL-POSITIVE, NK CELL-POSITIVE; Severe Combined Immune Deficiency, Autosomal Recessive, TCell -Negative, B Cell-Positive, NK Cell-Positive, IL7R-Related; Severe combined immunodeficiency, autosomal recessive, T cell-negative, B cell-positive, NK cell-positive. Identifiers: MedGen C5676890, MONDO:0012163, OMIM 608971.

Allele frequency attached by ClinVar (database versions not stated): gnomAD exomes below 0.00001 and 0.00001; TOPMed below 0.00001; ExAC 0.00002.
gnomAD v4.1: 6 of 1,612,376 alleles (0.00037%); highest among the groups gnomAD compares: Middle Eastern, 0.099%; no homozygotes.

Submission:

Labcorp Genetics (formerly Invitae), Labcorp
Classification: Uncertain significance for Immunodeficiency 104. Last evaluated: 2021-08-14. Review status: criteria provided, single submitter. Criteria: Invitae Variant Classification Sherloc (09022015). Collection method: clinical testing. Allele origin: germline.
Comment: This sequence change replaces tyrosine with histidine at codon 1026 of the PTPRC protein (p.Tyr1026His). The tyrosine residue is highly conserved and there is a moderate physicochemical difference between tyrosine and histidine. This variant is present in population databases (rs759308256, ExAC 0.003%). This variant has not been reported in the literature in individuals affected with PTPRC-related conditions. Algorithms developed to predict the effect of missense changes on protein structure and function (SIFT, PolyPhen-2, Align-GVGD) all suggest that this variant is likely to be disruptive. In summary, the available evidence is currently insufficient to determine the role of this variant in disease. Therefore, it has been classified as a Variant of Uncertain Significance.